The following is an entry in ClinVar:

NM_005188.4(CBL):c.2292C>T (p.Pro764=)

Gene: CBL (Cbl proto-oncogene; plus strand). Cytogenetic location: 11q23.3.
Variant type: single nucleotide variant.
Coding change: c.2292C>T on transcript NM_005188.4 (MANE Select); coding-DNA position 2292, C replaced by T.
Protein change: p.Pro764=; no amino-acid change (proline 764 retained).
Molecular consequence: synonymous variant.
Genome position (GRCh38, 1-based): chr11:119,298,398, C>T. VCF-style: chr11-119298398-C-T. GRCh37 (hg19) VCF-style: chr11-119169108-C-T.
Other names: c.2292C>T (NM_005188.2, NM_005188.3).
Identifiers: ClinVar variation 1567515 (VCV001567515.13), dbSNP rs538991997, ClinGen allele CA6318744.

ClinVar aggregate classification (germline): Likely benign. Review status: criteria provided, multiple submitters, no conflicts (2 of 4 stars). 5 submissions from 5 submitters: Likely benign (4). 1 of the submissions does not count toward it. Last evaluated 2025-05-02.

Conditions:
CBL-related disorder. Also called: CBL MUTATION-ASSOCIATED SYNDROME; CBL SYNDROME; NOONAN SYNDROME-LIKE DISORDER WITHOUT JUVENILE MYELOMONOCYTIC LEUKEMIA. Identifiers: Orphanet 363972, MedGen C3150803, MONDO:0013308, OMIM 613563.
Cardiovascular phenotype. Identifiers: MedGen CN230736.
RASopathy. Also called: rasopathies; Noonan spectrum disorder. Identifiers: Orphanet 536391, MedGen C5555857, MONDO:0021060.

Allele frequency attached by ClinVar (database versions not stated): gnomAD 0.00001; gnomAD exomes 0.00001 and 0.00002; ExAC 0.00002; TOPMed 0.00002.
gnomAD v4.1: 20 of 1,614,046 alleles (0.0012%); highest among the groups gnomAD compares: Middle Eastern, 0.016%; no homozygotes.

Submissions (5):

Labcorp Genetics (formerly Invitae), Labcorp
Classification: Likely benign for RASopathy. Last evaluated: 2025-05-02. Review status: criteria provided, single submitter. Criteria: Invitae Variant Classification Sherloc (09022015). Collection method: clinical testing. Allele origin: germline.

Ambry Genetics
Classification: Likely benign for Cardiovascular phenotype. Last evaluated: 2024-11-28. Review status: criteria provided, single submitter. Criteria: Ambry Variant Classification Scheme 2023. Collection method: clinical testing. Allele origin: germline.

Women's Health and Genetics/Laboratory Corporation of America, LabCorp
Classification: Likely benign. Last evaluated: 2024-06-30. Review status: criteria provided, single submitter. Criteria: LabCorp Variant Classification Summary - May 2015. Collection method: clinical testing. Allele origin: germline.

Blueprint Genetics
Classification: Likely benign. Last evaluated: 2024-04-22. Review status: criteria provided, single submitter. Criteria: ACMG Guidelines, 2015. Collection method: clinical testing. Allele origin: germline.

PreventionGenetics, part of Exact Sciences
Classification: Likely benign for CBL-related condition. Last evaluated: 2019-03-20. Review status: no assertion criteria provided. Collection method: clinical testing. Allele origin: germline. Not counted in ClinVar's aggregate classification.
Comment: This variant is classified as likely benign based on ACMG/AMP sequence variant interpretation guidelines (Richards et al. 2015 PMID: 25741868, with internal and published modifications).